The following is an entry in ClinVar:

ClinVar aggregate classification (germline): Conflicting classifications of pathogenicity. Review status: criteria provided, conflicting classifications (1 of 4 stars). 7 submissions from 7 submitters: Uncertain significance (3); Likely benign (3). 1 of the submissions does not count toward it. Last evaluated 2025-10-27.

Conditions:
Fanconi anemia (FA). Also called: Fanconi's anemia. Identifiers: Orphanet 84, MedGen C0015625, MeSH D005199, MONDO:0019391.
Fanconi anemia complementation group A (FANCA). Also called: Fanconi anemia, group A; FANCA-Related Fanconi Anemia. Identifiers: Orphanet 84, MedGen C3469521, MONDO:0009215, OMIM 227650.

Allele frequency attached by ClinVar (database versions not stated): TOPMed 0.00003; ExAC 0.00010; 1000 Genomes Project 0.00060; 1000 Genomes Project 30x 0.00062.
gnomAD v4.1: 247 of 1,546,920 alleles (0.016%); highest among the groups gnomAD compares: East Asian, 0.6%; 1 homozygote.

Submissions (7):

Labcorp Genetics (formerly Invitae), Labcorp
Classification: Likely benign for Fanconi anemia. Last evaluated: 2025-10-27. Review status: criteria provided, single submitter. Criteria: Invitae Variant Classification Sherloc (09022015). Collection method: clinical testing. Allele origin: germline.

Fulgent Genetics
Classification: Uncertain significance for Fanconi anemia complementation group A. Last evaluated: 2024-04-29. Review status: criteria provided, single submitter. Criteria: ACMG Guidelines, 2015. Collection method: clinical testing. Allele origin: germline.

Blueprint Genetics
Classification: Likely benign. Last evaluated: 2024-02-13. Review status: criteria provided, single submitter. Criteria: ACMG Guidelines, 2015. Collection method: clinical testing. Allele origin: germline.

Baylor Genetics
Classification: Uncertain significance for Fanconi anemia complementation group A. Last evaluated: 2021-06-29. Review status: criteria provided, single submitter. Criteria: ACMG Guidelines, 2015. Collection method: clinical testing. Allele origin: unknown. Affected: yes. Study: CSER-TexasKidsCanSeq.
Comment: This variant was determined to be of uncertain significance according to ACMG Guidelines, 2015 [PMID:25741868].

St. Jude Molecular Pathology, St. Jude Children's Research Hospital
Classification: Uncertain significance for Fanconi anemia. Last evaluated: 2021-06-10. Review status: criteria provided, single submitter. Criteria: St. Jude Assertion Criteria 2020. Collection method: clinical testing. Allele origin: germline.
Comment: The FANCA c.1901-3C>A intronic change results in a C to A substitution at the -3 position of intron 21 of the FANCA gene. This variant is not predicted to affect the native splice acceptor site (BP4), but to our knowledge these predictions have not been confirmed by functional assays. This variant has a maximum subpopulation frequency of 0.097% in gnomAD v2.1.1. To our knowledge, this variant has not been reported in individuals with Fanconi anemia. In summary, this variant meets criteria to be classified as of uncertain significance based on the ACMG/AMP criteria: BP4.

Illumina Laboratory Services, Illumina
Classification: Likely benign for Fanconi anemia complementation group A. Last evaluated: 2018-01-12. Review status: criteria provided, single submitter. Criteria: ICSL Variant Classification Criteria 13 December 2019. Collection method: clinical testing. Allele origin: germline.
Comment: This variant was observed in the ICSL laboratory as part of a predisposition screen in an ostensibly healthy population. It had not been previously curated by ICSL or reported in the Human Gene Mutation Database (HGMD: prior to June 1st, 2018), and was therefore a candidate for classification through an automated scoring system. Utilizing variant allele frequency, disease prevalence and penetrance estimates, and inheritance mode, an automated score was calculated to assess if this variant is too frequent to cause the disease. Based on the score and internal cut-off values, a variant classified as likely benign is not then subjected to further curation. The score for this variant resulted in a classification of likely benign for this disease.

Natera, Inc.
Classification: Uncertain significance for Fanconi anemia, group A. Last evaluated: 2019-10-28. Review status: no assertion criteria provided. Collection method: clinical testing. Allele origin: germline. Not counted in ClinVar's aggregate classification.

NM_000135.4(FANCA):c.1901-3C>A

Gene: FANCA (FA complementation group A; minus strand). Cytogenetic location: 16q24.3.
Variant type: single nucleotide variant.
Coding change: c.1901-3C>A on transcript NM_000135.4 (MANE Select); 3 bases into the intron before coding-DNA position 1901, C replaced by A.
Molecular consequence: intron variant.
Genome position (GRCh38, 1-based): chr16:89,773,387, G>T on the plus strand (C>A on the coding strand, the complement: FANCA is on the minus strand). VCF-style: chr16-89773387-G-T. GRCh37 (hg19) VCF-style: chr16-89839795-G-T.
Other names: c.1901-3C>A (NM_001286167.3, LRG_495t1).
Identifiers: ClinVar variation 321352 (VCV000321352.24), dbSNP rs17226526, ClinGen allele CA8251972.